The following is an entry in ClinVar:

NM_001111067.4(ACVR1):c.1469G>C (p.Arg490Pro)

Gene: ACVR1 (activin A receptor type 1; minus strand). Cytogenetic location: 2q24.1.
Variant type: single nucleotide variant.
Coding change: c.1469G>C on transcript NM_001111067.4 (MANE Select); coding-DNA position 1469, G replaced by C.
Protein change: p.Arg490Pro; replaces arginine 490 with proline.
Molecular consequence: missense variant.
Genome position (GRCh38, 1-based): chr2:157,737,592, C>G on the plus strand (G>C on the coding strand, the complement: ACVR1 is on the minus strand). VCF-style: chr2-157737592-C-G. GRCh37 (hg19) VCF-style: chr2-158594104-C-G.
Other names: c.1469G>C, p.Arg490Pro (NM_001105.5, NM_001347663.1, NM_001347664.1 and 3 more transcripts); short protein forms R490P.
Identifiers: ClinVar variation 4716317 (VCV004716317.1).
Genomic context (GRCh38, chr2:157,737,592, plus strand): 5'-CAACAGTCAGTTTTCAATTTGTCGAGGGAATTATCAATTTTGGTCAAAGTCTTTTTGATA[C>G]GCAGTGCTGTGAGTCTTGCGGATGGATTTTGATACCAGCATTCTTTCATTAGCTTGGCCA-3'
Protein context (NP_001104537.1, residues 480-500): QNPSARLTAL[Arg490Pro]IKKTLTKIDN

ClinVar aggregate classification (germline): Uncertain significance (1 of 4 stars; one submission).

gnomAD v4.1: 1 of 1,614,018 alleles (0.000062%); highest among the groups gnomAD compares: South Asian, 0.0011%; no homozygotes.

Submission:

Labcorp Genetics (formerly Invitae), Labcorp
Classification: Uncertain significance. Last evaluated: 2025-03-30. Review status: criteria provided, single submitter. Criteria: Invitae Variant Classification Sherloc (09022015). Collection method: clinical testing. Allele origin: germline.
Comment: This sequence change replaces arginine, which is basic and polar, with proline, which is neutral and non-polar, at codon 490 of the ACVR1 protein (p.Arg490Pro). This variant is present in population databases (rs554387941, gnomAD 0.003%). This variant has not been reported in the literature in individuals affected with ACVR1-related conditions. An algorithm developed to predict the effect of missense changes on protein structure and function (PolyPhen-2) suggests that this variant is likely to be disruptive. In summary, the available evidence is currently insufficient to determine the role of this variant in disease. Therefore, it has been classified as a Variant of Uncertain Significance.